The following is an entry in ClinVar:

NM_004484.4(GPC3):c.204G>T (p.Lys68Asn)

Gene: GPC3 (glypican 3; minus strand). Cytogenetic location: Xq26.2.
Variant type: single nucleotide variant.
Coding change: c.204G>T on transcript NM_004484.4 (MANE Select); coding-DNA position 204, G replaced by T.
Protein change: p.Lys68Asn; replaces lysine 68 with asparagine.
Molecular consequence: missense variant. On other transcripts: intron variant (1).
Genome position (GRCh38, 1-based): chrX:133,953,183, C>A on the plus strand (G>T on the coding strand, the complement: GPC3 is on the minus strand). VCF-style: chrX-133953183-C-A. GRCh37 (hg19) VCF-style: chrX-133087210-C-A.
Other names: c.204G>T, p.Lys68Asn (NM_001164617.2, NM_001164618.2); c.175+32092G>T (NM_001164619.2); short protein forms K68N.
Identifiers: ClinVar variation 1350515 (VCV001350515.8), dbSNP rs61754632, ClinGen allele CA414707567.

ClinVar aggregate classification (germline): Uncertain significance (1 of 4 stars; one submission).

Conditions:
Wilms tumor 1 (WT1). Also called: Wilms tumor, somatic. Identifiers: Orphanet 654, MedGen CN033288, MONDO:0008679, OMIM 194070.

Submission:

Labcorp Genetics (formerly Invitae), Labcorp
Classification: Uncertain significance for Wilms tumor 1. Last evaluated: 2021-01-21. Review status: criteria provided, single submitter. Criteria: Invitae Variant Classification Sherloc (09022015). Collection method: clinical testing. Allele origin: germline.
Comment: In summary, the available evidence is currently insufficient to determine the role of this variant in disease. Therefore, it has been classified as a Variant of Uncertain Significance. Algorithms developed to predict the effect of missense changes on protein structure and function are either unavailable or do not agree on the potential impact of this missense change (SIFT: "Tolerated"; PolyPhen-2: "Probably Damaging"; Align-GVGD: "Class C0"). This variant has not been reported in the literature in individuals with GPC3-related conditions. This variant is not present in population databases (ExAC no frequency). This sequence change replaces lysine with asparagine at codon 68 of the GPC3 protein (p.Lys68Asn). The lysine residue is weakly conserved and there is a moderate physicochemical difference between lysine and asparagine.